The following is an entry in ClinVar:

NM_000051.4(ATM):c.2643C>T (p.Ala881=)

Gene: ATM (ATM serine/threonine kinase; plus strand). Cytogenetic location: 11q22.3.
Variant type: single nucleotide variant.
Coding change: c.2643C>T on transcript NM_000051.4 (MANE Select); coding-DNA position 2643, C replaced by T.
Protein change: p.Ala881=; no amino-acid change (alanine 881 retained).
Molecular consequence: synonymous variant.
Genome position (GRCh38, 1-based): chr11:108,268,414, C>T. VCF-style: chr11-108268414-C-T. GRCh37 (hg19) VCF-style: chr11-108139141-C-T.
Other names: c.2643C>T, p.Ala881= (NM_001351834.2).
Identifiers: ClinVar variation 1794220 (VCV001794220.8), dbSNP rs2135523001, ClinGen allele CA476673753.

ClinVar aggregate classification (germline): Benign/Likely benign. Review status: criteria provided, multiple submitters, no conflicts (2 of 4 stars). 4 submissions from 4 submitters: Benign (1); Likely benign (3). Last evaluated 2024-05-10.

Conditions:
Ataxia-telangiectasia syndrome (AT). Also called: Ataxia-telangiectasia, complementation group D; AT, COMPLEMENTATION GROUP C; ATAXIA-TELANGIECTASIA, COMPLEMENTATION GROUP A; ATAXIA-TELANGIECTASIA, FRESNO VARIANT; Ataxia-telangiectasia; LOUIS-BAR SYNDROME. Identifiers: Orphanet 100, MedGen C0004135, MONDO:0008840, OMIM 208900.
Hereditary cancer-predisposing syndrome. Also called: Neoplastic Syndromes, Hereditary; Tumor predisposition; Hereditary neoplastic syndrome; Hereditary Cancer Syndrome. Identifiers: Orphanet 140162, MedGen C0027672, MeSH D009386, MONDO:0015356.
Familial cancer of breast. Also called: BREAST CANCER, FAMILIAL; hereditary breast carcinoma; Hereditary breast cancer. Identifiers: Orphanet 227535, MedGen C0346153, MONDO:0016419, OMIM 114480. Disease mechanism: loss of function.

Submissions (4):

Myriad Genetics, Inc.
Classification: Benign for Familial cancer of breast. Last evaluated: 2024-05-10. Review status: criteria provided, single submitter. Criteria: Myriad Autosomal Dominant, Autosomal Recessive and X-Linked Classification Criteria (2023). Collection method: clinical testing. Allele origin: unknown.
Comment: This variant is considered benign. This variant is a silent/synonymous amino acid change and it is not expected to impact splicing.

Labcorp Genetics (formerly Invitae), Labcorp
Classification: Likely benign for Ataxia-telangiectasia syndrome. Last evaluated: 2023-08-28. Review status: criteria provided, single submitter. Criteria: Invitae Variant Classification Sherloc (09022015). Collection method: clinical testing. Allele origin: germline.

Color Diagnostics, LLC DBA Color Health
Classification: Likely benign for Hereditary cancer-predisposing syndrome. Last evaluated: 2023-03-21. Review status: criteria provided, single submitter. Criteria: ACMG Guidelines, 2015. Collection method: clinical testing. Allele origin: germline.

Ambry Genetics
Classification: Likely benign for Hereditary cancer-predisposing syndrome. Last evaluated: 2015-09-13. Review status: criteria provided, single submitter. Criteria: Ambry Variant Classification Scheme 2023. Collection method: clinical testing. Allele origin: germline.